The following is an entry in ClinVar:

NM_013266.4(CTNNA3):c.1960G>A (p.Glu654Lys)

Genes: CTNNA3 (catenin alpha 3; minus strand), CTNNA3-AS1 (CTNNA3 antisense RNA 1; plus strand). Cytogenetic location: 10q21.3.
Variant type: single nucleotide variant.
Coding change: c.1960G>A on transcript NM_013266.4 (MANE Select); coding-DNA position 1960, G replaced by A.
Protein change: p.Glu654Lys; replaces glutamic acid 654 with lysine.
Molecular consequence: missense variant.
Genome position (GRCh38, 1-based): chr10:66,103,174, C>T on the plus strand (G>A on the coding strand, the complement: CTNNA3 is on the minus strand). VCF-style: chr10-66103174-C-T. GRCh37 (hg19) VCF-style: chr10-67862932-C-T.
Other names: c.1960G>A, p.Glu654Lys (NM_001127384.3); short protein forms E654K.
Identifiers: ClinVar variation 4235689 (VCV004235689.2).

ClinVar aggregate classification (germline): Uncertain significance. Review status: criteria provided, multiple submitters, no conflicts (2 of 4 stars). 2 submissions from 2 submitters: Uncertain significance (2). Last evaluated 2025-09-28.

Conditions:
Arrhythmogenic right ventricular dysplasia 13. Also called: ARRHYTHMOGENIC RIGHT VENTRICULAR CARDIOMYOPATHY 13; Arrhythmogenic right ventricular dysplasia, familial, 13. Identifiers: MedGen C3810138, MONDO:0000908, OMIM 615616.

gnomAD v4.1: 7 of 1,613,840 alleles (0.00043%); highest among the groups gnomAD compares: Non-Finnish European, 0.00059%; no homozygotes.

Submissions (2):

Labcorp Genetics (formerly Invitae), Labcorp
Classification: Uncertain significance for Arrhythmogenic right ventricular dysplasia 13. Last evaluated: 2025-09-28. Review status: criteria provided, single submitter. Criteria: Invitae Variant Classification Sherloc (09022015). Collection method: clinical testing. Allele origin: germline.
Comment: This sequence change replaces glutamic acid, which is acidic and polar, with lysine, which is basic and polar, at codon 654 of the CTNNA3 protein (p.Glu654Lys). This variant is present in population databases (rs758246563, gnomAD 0.0009%). This variant has not been reported in the literature in individuals affected with CTNNA3-related conditions. Invitae Evidence Modeling of protein sequence and biophysical properties (such as structural, functional, and spatial information, amino acid conservation, physicochemical variation, residue mobility, and thermodynamic stability) indicates that this missense variant is not expected to disrupt CTNNA3 protein function with a negative predictive value of 80%. In summary, the available evidence is currently insufficient to determine the role of this variant in disease. Therefore, it has been classified as a Variant of Uncertain Significance.

Ambry Genetics
Classification: Uncertain significance. Last evaluated: 2025-08-21. Review status: criteria provided, single submitter. Criteria: Ambry Variant Classification Scheme 2023. Collection method: clinical testing. Allele origin: germline.